The following is an entry in ClinVar:

ClinVar aggregate classification (germline): Uncertain significance (1 of 4 stars; one submission).

Conditions:
Cardiovascular phenotype. Identifiers: MedGen CN230736.

Submission:

Ambry Genetics
Classification: Uncertain significance for Cardiovascular phenotype. Last evaluated: 2026-07-13. Review status: criteria provided, single submitter. Criteria: Ambry Variant Classification Scheme 2023. Collection method: clinical testing. Allele origin: germline.
Comment: The c.1598-1G>A intronic variant results from a G to A substitution one nucleotide upstream from coding exon 28 of the TRDN gene. This nucleotide position is well conserved in available vertebrate species. In silico splice site analysis predicts that this alteration may weaken the native splice acceptor site. Alterations that disrupt the canonical splice site are expected to cause aberrant splicing, resulting in an abnormal protein or a transcript that is subject to nonsense-mediated mRNA decay. However, this alteration does not impact the predominant cardiac isoform of TRDN (NM_001256021.1; Kobayashi YM et al. J. Biol. Chem., 1999 Oct;274:28660-8). Since supporting evidence is limited at this time, the clinical significance of this alteration remains unclear.

NM_006073.4(TRDN):c.1598-1G>A

Gene: TRDN (triadin; minus strand). Cytogenetic location: 6q22.31.
Variant type: single nucleotide variant.
Coding change: c.1598-1G>A on transcript NM_006073.4 (MANE Select); the canonical splice acceptor site of the intron before coding-DNA position 1598, G replaced by A.
Molecular consequence: splice acceptor variant.
Genome position (GRCh38, 1-based): chr6:123,273,364, C>T on the plus strand (G>A on the coding strand, the complement: TRDN is on the minus strand). VCF-style: chr6-123273364-C-T. GRCh37 (hg19) VCF-style: chr6-123594509-C-T.
Identifiers: ClinVar variation 5031094 (VCV005031094.1).